The following is an entry in ClinVar:

ClinVar aggregate classification (germline): Uncertain significance. Review status: criteria provided, multiple submitters, no conflicts (2 of 4 stars). 2 submissions from 2 submitters: Uncertain significance (2). Last evaluated 2023-08-07.

Conditions:
Developmental and epileptic encephalopathy, 12 (DEE12). Identifiers: MedGen C3150988, MONDO:0013389, OMIM 613722.

Allele frequency attached by ClinVar (database versions not stated): gnomAD exomes below 0.00001; ExAC 0.00002.

Submissions (2):

GeneDx
Classification: Uncertain significance. Last evaluated: 2023-08-07. Review status: criteria provided, single submitter. Criteria: GeneDx Variant Classification Process June 2021. Collection method: clinical testing. Allele origin: germline. Affected: yes.
Comment: Not observed at significant frequency in large population cohorts (gnomAD); In silico analysis supports that this missense variant does not alter protein structure/function; Has not been previously published as pathogenic or benign to our knowledge; This variant is associated with the following publications: (PMID: 22508754)

Labcorp Genetics (formerly Invitae), Labcorp
Classification: Uncertain significance for Developmental and epileptic encephalopathy, 12. Last evaluated: 2022-06-12. Review status: criteria provided, single submitter. Criteria: Invitae Variant Classification Sherloc (09022015). Collection method: clinical testing. Allele origin: germline.
Comment: This sequence change replaces arginine, which is basic and polar, with histidine, which is basic and polar, at codon 348 of the PNKP protein (p.Arg348His). This variant is present in population databases (rs781551273, gnomAD 0.007%). This variant has not been reported in the literature in individuals affected with PNKP-related conditions. Algorithms developed to predict the effect of missense changes on protein structure and function (SIFT, PolyPhen-2, Align-GVGD) all suggest that this variant is likely to be tolerated. Algorithms developed to predict the effect of sequence changes on RNA splicing suggest that this variant may create or strengthen a splice site. In summary, the available evidence is currently insufficient to determine the role of this variant in disease. Therefore, it has been classified as a Variant of Uncertain Significance.

NM_007254.4(PNKP):c.1043G>A (p.Arg348His)

Gene: PNKP (polynucleotide kinase 3'-phosphatase; minus strand). Cytogenetic location: 19q13.33.
Variant type: single nucleotide variant.
Coding change: c.1043G>A on transcript NM_007254.4 (MANE Select); coding-DNA position 1043, G replaced by A.
Protein change: p.Arg348His; replaces arginine 348 with histidine.
Molecular consequence: missense variant.
Genome position (GRCh38, 1-based): chr19:49,862,268, C>T on the plus strand (G>A on the coding strand, the complement: PNKP is on the minus strand). VCF-style: chr19-49862268-C-T. GRCh37 (hg19) VCF-style: chr19-50365525-C-T.
Other names: c.1043G>A (NM_007254.2); short protein forms R348H.
Identifiers: ClinVar variation 1392091 (VCV001392091.6), dbSNP rs781551273, ClinGen allele CA9586636.